The following is an entry in ClinVar:

NM_000875.5(IGF1R):c.*5528G>A

Gene: IGF1R (insulin like growth factor 1 receptor; plus strand). Cytogenetic location: 15q26.3.
Variant type: single nucleotide variant.
Coding change: c.*5528G>A on transcript NM_000875.5 (MANE Select); 5528 bases downstream of the stop codon, G replaced by A.
Molecular consequence: 3 prime UTR variant.
Genome position (GRCh38, 1-based): chr15:98,962,970, G>A. VCF-style: chr15-98962970-G-A. GRCh37 (hg19) VCF-style: chr15-99506199-G-A.
Other names: c.*5528G>A (NM_001291858.2).
Identifiers: ClinVar variation 887231 (VCV000887231.4), dbSNP rs113588178, ClinGen allele CA275340648.

ClinVar aggregate classification (germline): Benign (1 of 4 stars; one submission).

Conditions:
Growth delay due to insulin-like growth factor I resistance. Also called: Somatomedin end-organ insensitivity to; Somatomedin-c resistance to; IGF-1 resistance; IGF-I RESISTANCE; Insulin-Like Growth Factor I Resistance. Identifiers: Orphanet 73273, MedGen C1849157, MONDO:0010038, OMIM 270450.

Allele frequency attached by ClinVar (database versions not stated): gnomAD exomes 0.00058; 1000 Genomes Project 0.00359; gnomAD 0.00364 and 0.00386; TOPMed 0.00383; 1000 Genomes Project 30x 0.00390.
gnomAD v4.1: 598 of 233,584 alleles (0.26%); highest among the groups gnomAD compares: African/African-American, 1.2%; 7 homozygotes.

Submission:

Illumina Laboratory Services, Illumina
Classification: Benign for Growth delay due to insulin-like growth factor I resistance. Last evaluated: 2017-04-27. Review status: criteria provided, single submitter. Criteria: ICSL Variant Classification Criteria 13 December 2019. Collection method: clinical testing. Allele origin: germline.
Comment: This variant was observed as part of a predisposition screen in an ostensibly healthy population. A literature search was performed for the gene, cDNA change, and amino acid change (where applicable). No publications were found based on this search. Allele frequency data from public databases was too high to be consistent with this variant causing disease. Therefore, this variant is classified as benign.